The following is an entry in ClinVar:

ClinVar aggregate classification (germline): Likely pathogenic (1 of 4 stars; one submission).

Conditions:
Kindler syndrome (KNDLRS). Also called: BULLOUS ACROKERATOTIC POIKILODERMA OF KINDLER AND WEARY; Hereditary acrokeratotic poikiloderma of Weary; POIKILODERMA, CONGENITAL, WITH BULLAE, WEARY TYPE; POIKILODERMA, HEREDITARY ACROKERATOTIC; Poikiloderma of Kindler; Congenital bullous poikiloderma. Identifiers: Orphanet 2908, Orphanet 306539, MedGen C0406557, MONDO:0008260, OMIM 173650.

Submission:

Juno Genomics, Hangzhou Juno Genomics, Inc
Classification: Likely pathogenic for Kindler syndrome. Review status: criteria provided, single submitter. Criteria: ACMG Guidelines, 2015. Collection method: clinical testing. Allele origin: germline.
Comment: Null variant in a gene where loss of function (LOF) is a known mechanism of disease.;Absent from controls (or at extremely low frequency if recessive) in Genome Aggregation Database.

NM_017671.5(FERMT1):c.799C>T (p.Gln267Ter)

Gene: FERMT1 (FERM domain containing kindlin 1; minus strand). Cytogenetic location: 20p12.3.
Variant type: single nucleotide variant.
Coding change: c.799C>T on transcript NM_017671.5 (MANE Select); coding-DNA position 799, C replaced by T.
Protein change: p.Gln267Ter; replaces glutamine 267 with a stop codon.
Molecular consequence: nonsense.
Genome position (GRCh38, 1-based): chr20:6,107,582, G>A on the plus strand (C>T on the coding strand, the complement: FERMT1 is on the minus strand). VCF-style: chr20-6107582-G-A. GRCh37 (hg19) VCF-style: chr20-6088229-G-A.
Other names: short protein forms Q267*.
Identifiers: ClinVar variation 5006396 (VCV005006396.2).